The following is an entry in ClinVar:

ClinVar aggregate classification (germline): Uncertain significance. Review status: criteria provided, multiple submitters, no conflicts (2 of 4 stars). 4 submissions from 4 submitters: Uncertain significance (4). Last evaluated 2026-01-26.

Conditions:
Inborn genetic diseases. Identifiers: MedGen C0950123, MeSH D030342.
Hermansky-Pudlak syndrome 2 (HPS2). Also called: Platelet defects and oculocutaneous albinism. Identifiers: Orphanet 183678, Orphanet 79430, MedGen C1842362, MONDO:0011997, OMIM 608233.

Allele frequency attached by ClinVar (database versions not stated): gnomAD exomes 0.00002 and 0.00005; gnomAD 0.00003 and 0.00004; ExAC 0.00004; 1000 Genomes Project 0.00020; TOPMed 0.00005; 1000 Genomes Project 30x 0.00016.
gnomAD v4.1: 33 of 1,612,594 alleles (0.002%); highest among the groups gnomAD compares: Admixed American, 0.01%; no homozygotes.

Submissions (4):

Labcorp Genetics (formerly Invitae), Labcorp
Classification: Uncertain significance for Hermansky-Pudlak syndrome 2. Last evaluated: 2026-01-26. Review status: criteria provided, single submitter. Criteria: Invitae Variant Classification Sherloc (09022015). Collection method: clinical testing. Allele origin: germline.
Comment: This sequence change replaces aspartic acid, which is acidic and polar, with glycine, which is neutral and non-polar, at codon 285 of the AP3B1 protein (p.Asp285Gly). This variant is present in population databases (rs554863664, gnomAD 0.02%). This variant has not been reported in the literature in individuals affected with AP3B1-related conditions. ClinVar contains an entry for this variant (Variation ID: 1060203). An algorithm developed to predict the effect of missense changes on protein structure and function outputs the following: PolyPhen-2: "Benign". The glycine amino acid residue is found in multiple mammalian species, which suggests that this missense change does not adversely affect protein function. In summary, the available evidence is currently insufficient to determine the role of this variant in disease. Therefore, it has been classified as a Variant of Uncertain Significance.

Ambry Genetics
Classification: Uncertain significance for Inborn genetic diseases. Last evaluated: 2024-12-20. Review status: criteria provided, single submitter. Criteria: Ambry Variant Classification Scheme 2023. Collection method: clinical testing. Allele origin: germline.

Women's Health and Genetics/Laboratory Corporation of America, LabCorp
Classification: Uncertain significance. Last evaluated: 2024-11-04. Review status: criteria provided, single submitter. Criteria: LabCorp Variant Classification Summary - May 2015. Collection method: clinical testing. Allele origin: germline.
Comment: Variant summary: AP3B1 c.854A>G (p.Asp285Gly) results in a non-conservative amino acid change in the encoded protein sequence. Four of five in-silico tools predict a benign effect of the variant on protein function. The variant allele was found at a frequency of 4.8e-05 in 250124 control chromosomes. This frequency is not significantly higher than estimated for a pathogenic variant in AP3B1 causing Hermansky-Pudlak Syndrome (4.8e-05 vs 0.0005), allowing no conclusion about variant significance. To our knowledge, no occurrence of c.854A>G in individuals affected with Hermansky-Pudlak Syndrome and no experimental evidence demonstrating its impact on protein function have been reported. ClinVar contains an entry for this variant (Variation ID: 1060203). Based on the evidence outlined above, the variant was classified as uncertain significance.

Fulgent Genetics
Classification: Uncertain significance for Hermansky-Pudlak syndrome 2. Last evaluated: 2021-12-10. Review status: criteria provided, single submitter. Criteria: ACMG Guidelines, 2015. Collection method: clinical testing. Allele origin: unknown.

NM_003664.5(AP3B1):c.854A>G (p.Asp285Gly)

Gene: AP3B1 (adaptor related protein complex 3 subunit beta 1; minus strand). Cytogenetic location: 5q14.1.
Variant type: single nucleotide variant.
Coding change: c.854A>G on transcript NM_003664.5 (MANE Select); coding-DNA position 854, A replaced by G.
Protein change: p.Asp285Gly; replaces aspartic acid 285 with glycine.
Molecular consequence: missense variant.
Genome position (GRCh38, 1-based): chr5:78,181,595, T>C on the plus strand (A>G on the coding strand, the complement: AP3B1 is on the minus strand). VCF-style: chr5-78181595-T-C. GRCh37 (hg19) VCF-style: chr5-77477419-T-C.
Other names: c.707A>G, p.Asp236Gly (NM_001271769.2); c.854A>G (NM_003664.3); short protein forms D236G, D285G.
Identifiers: ClinVar variation 1060203 (VCV001060203.10), dbSNP rs554863664, ClinGen allele CA3317274.